The following is an entry in ClinVar:

ClinVar aggregate classification (germline): Benign/Likely benign. Review status: criteria provided, multiple submitters, no conflicts (2 of 4 stars). 7 submissions from 7 submitters: Benign (5); Likely benign (1). 1 of the submissions does not count toward it. Last evaluated 2025-12-10.

Conditions:
SLC17A8-related disorder. Also called: SLC17A8-related condition.
Autosomal dominant nonsyndromic hearing loss 25. Identifiers: Orphanet 90635, MedGen C1854158, MONDO:0011568, OMIM 605583.

Allele frequency attached by ClinVar (database versions not stated): gnomAD exomes 0.00061 and 0.00153; ExAC 0.00178; gnomAD 0.00469 and 0.00512; 1000 Genomes Project 0.00519; ESP Exome Variant Server 0.00531; TOPMed 0.00542; 1000 Genomes Project 30x 0.00625.

Submissions (7):

Labcorp Genetics (formerly Invitae), Labcorp
Classification: Benign. Last evaluated: 2025-12-10. Review status: criteria provided, single submitter. Criteria: Invitae Variant Classification Sherloc (09022015). Collection method: clinical testing. Allele origin: germline.

Blueprint Genetics
Classification: Likely benign. Last evaluated: 2024-11-07. Review status: criteria provided, single submitter. Criteria: ACMG Guidelines, 2015. Collection method: clinical testing. Allele origin: germline.

GeneDx
Classification: Benign. Last evaluated: 2018-11-15. Review status: criteria provided, single submitter. Criteria: GeneDx Variant Classification Process June 2021. Collection method: clinical testing. Allele origin: germline. Affected: yes.

Illumina Laboratory Services, Illumina
Classification: Benign for Autosomal dominant nonsyndromic hearing loss 25. Last evaluated: 2018-01-13. Review status: criteria provided, single submitter. Criteria: ICSL Variant Classification Criteria 13 December 2019. Collection method: clinical testing. Allele origin: germline.
Comment: This variant was observed in the ICSL laboratory as part of a predisposition screen in an ostensibly healthy population. It had not been previously curated by ICSL or reported in the Human Gene Mutation Database (HGMD: prior to June 1st, 2018), and was therefore a candidate for classification through an automated scoring system. Utilizing variant allele frequency, disease prevalence and penetrance estimates, and inheritance mode, an automated score was calculated to assess if this variant is too frequent to cause the disease. Based on the score and internal cut-off values, a variant classified as benign is not then subjected to further curation. The score for this variant resulted in a classification of benign for this disease.

Laboratory for Molecular Medicine, Mass General Brigham Personalized Medicine
Classification: Benign. Last evaluated: 2012-05-07. Review status: criteria provided, single submitter. Criteria: LMM Criteria. Collection method: clinical testing. Allele origin: germline. Observed: 3 variant alleles.
Comment: Thr8Ile in Exon 01 of SLC17A8: This variant is not expected to have clinical sig nificance because it has been identified in 1.5% (56/3738) of African American c hromosomes from a broad population by the NHLBI Exome Sequencing Project (dbSNP rs45610843).

Breakthrough Genomics
Classification: Benign. Review status: criteria provided, single submitter. Criteria: ACMG Guidelines, 2015. Collection method: not provided. Allele origin: germline. Inheritance: Autosomal dominant inheritance. Affected: yes.

PreventionGenetics, part of Exact Sciences
Classification: Benign for SLC17A8-related condition. Last evaluated: 2019-07-25. Review status: no assertion criteria provided. Collection method: clinical testing. Allele origin: germline. Not counted in ClinVar's aggregate classification.
Comment: This variant is classified as benign based on ACMG/AMP sequence variant interpretation guidelines (Richards et al. 2015 PMID: 25741868, with internal and published modifications).

NM_139319.3(SLC17A8):c.23C>T (p.Thr8Ile)

Gene: SLC17A8 (solute carrier family 17 member 8; plus strand). Cytogenetic location: 12q23.1.
Variant type: single nucleotide variant.
Coding change: c.23C>T on transcript NM_139319.3 (MANE Select); coding-DNA position 23, C replaced by T.
Protein change: p.Thr8Ile; replaces threonine 8 with isoleucine.
Molecular consequence: missense variant.
Genome position (GRCh38, 1-based): chr12:100,357,414, C>T. VCF-style: chr12-100357414-C-T. GRCh37 (hg19) VCF-style: chr12-100751192-C-T.
Other names: c.23C>T, p.Thr8Ile (NM_001145288.2); short protein forms T8I.
Identifiers: ClinVar variation 178632 (VCV000178632.23), dbSNP rs45610843, ClinGen allele CA182702.